The following is an entry in ClinVar:

ClinVar aggregate classification (germline): Benign (1 of 4 stars; one submission).

Conditions:
Familial cancer of breast. Also called: hereditary breast carcinoma; Hereditary breast cancer; BREAST CANCER, FAMILIAL. Identifiers: Orphanet 227535, MedGen C0346153, MONDO:0016419, OMIM 114480. Disease mechanism: loss of function.

Submission:

Myriad Genetics, Inc.
Classification: Benign for Familial cancer of breast. Last evaluated: 2024-09-09. Review status: criteria provided, single submitter. Criteria: Myriad Autosomal Dominant, Autosomal Recessive and X-Linked Classification Criteria (2023). Collection method: clinical testing. Allele origin: unknown.
Comment: This variant is considered benign. This variant is a silent/synonymous amino acid change and it is not expected to impact splicing.

NM_032043.3(BRIP1):c.3063T>G (p.Pro1021=)

Gene: BRIP1 (BRCA1 interacting DNA helicase 1; minus strand). Cytogenetic location: 17q23.2.
Variant type: single nucleotide variant.
Coding change: c.3063T>G on transcript NM_032043.3 (MANE Select); coding-DNA position 3063, T replaced by G.
Protein change: p.Pro1021=; no amino-acid change (proline 1021 retained).
Molecular consequence: synonymous variant.
Genome position (GRCh38, 1-based): chr17:61,683,983, A>C on the plus strand (T>G on the coding strand, the complement: BRIP1 is on the minus strand). VCF-style: chr17-61683983-A-C. GRCh37 (hg19) VCF-style: chr17-59761344-A-C.
Identifiers: ClinVar variation 3379181 (VCV003379181.1).